The following is an entry in ClinVar:

NM_032043.3(BRIP1):c.1700A>C (p.Lys567Thr)

Gene: BRIP1 (BRCA1 interacting DNA helicase 1; minus strand). Cytogenetic location: 17q23.2.
Variant type: single nucleotide variant.
Coding change: c.1700A>C on transcript NM_032043.3 (MANE Select); coding-DNA position 1700, A replaced by C.
Protein change: p.Lys567Thr; replaces lysine 567 with threonine.
Molecular consequence: missense variant.
Genome position (GRCh38, 1-based): chr17:61,780,934, T>G on the plus strand (A>C on the coding strand, the complement: BRIP1 is on the minus strand). VCF-style: chr17-61780934-T-G. GRCh37 (hg19) VCF-style: chr17-59858295-T-G.
Other names: short protein forms K567T.
Identifiers: ClinVar variation 2626400 (VCV002626400.2), dbSNP rs2145094607, ClinGen allele CA400480434.

ClinVar aggregate classification (germline): Uncertain significance (1 of 4 stars; one submission).

Conditions:
Hereditary cancer-predisposing syndrome. Also called: Tumor predisposition; Hereditary Cancer Syndrome; Hereditary neoplastic syndrome; Neoplastic Syndromes, Hereditary. Identifiers: Orphanet 140162, MedGen C0027672, MeSH D009386, MONDO:0015356.

Submission:

Ambry Genetics
Classification: Uncertain significance for Hereditary cancer-predisposing syndrome. Last evaluated: 2023-09-01. Review status: criteria provided, single submitter. Criteria: Ambry Variant Classification Scheme 2023. Collection method: clinical testing. Allele origin: germline.
Comment: The p.K567T variant (also known as c.1700A>C), located in coding exon 11 of the BRIP1 gene, results from an A to C substitution at nucleotide position 1700. The lysine at codon 567 is replaced by threonine, an amino acid with similar properties. This amino acid position is conserved. In addition, this alteration is predicted to be tolerated by in silico analysis. Since supporting evidence is limited at this time, the clinical significance of this alteration remains unclear.